The following is an entry in ClinVar:

NM_001211.6(BUB1B):c.1381C>G (p.Gln461Glu)

Gene: BUB1B (BUB1 mitotic checkpoint serine/threonine kinase B; plus strand). Cytogenetic location: 15q15.1.
Variant type: single nucleotide variant.
Coding change: c.1381C>G on transcript NM_001211.6 (MANE Select); coding-DNA position 1381, C replaced by G.
Protein change: p.Gln461Glu; replaces glutamine 461 with glutamic acid.
Molecular consequence: missense variant.
Genome position (GRCh38, 1-based): chr15:40,199,707, C>G. VCF-style: chr15-40199707-C-G. GRCh37 (hg19) VCF-style: chr15-40491908-C-G.
Other names: short protein forms Q461E.
Identifiers: ClinVar variation 4867976 (VCV004867976.1).

ClinVar aggregate classification (germline): Uncertain significance (1 of 4 stars; one submission).

Conditions:
Inborn genetic diseases. Identifiers: MedGen C0950123, MeSH D030342.

gnomAD v4.1: 1 of 1,613,170 alleles (0.000062%); highest among the groups gnomAD compares: South Asian, 0.0011%; no homozygotes.

Submission:

Ambry Genetics
Classification: Uncertain significance for Inborn genetic diseases. Last evaluated: 2026-04-22. Review status: criteria provided, single submitter. Criteria: Ambry Variant Classification Scheme 2023. Collection method: clinical testing. Allele origin: germline.
Comment: The p.Q461E variant (also known as c.1381C>G), located in coding exon 10 of the BUB1B gene, results from a C to G substitution at nucleotide position 1381. The glutamine at codon 461 is replaced by glutamic acid, an amino acid with highly similar properties. This amino acid position is conserved. In addition, this alteration is predicted to be tolerated by in silico analysis. Based on the available evidence, the clinical significance of this variant remains unclear.